The following is an entry in ClinVar:

ClinVar aggregate classification (germline): Uncertain significance (1 of 4 stars; one submission).

gnomAD v4.1: 14 of 1,613,926 alleles (0.00087%); highest among the groups gnomAD compares: Admixed American, 0.023%; no homozygotes.

Submission:

Labcorp Genetics (formerly Invitae), Labcorp
Classification: Uncertain significance. Last evaluated: 2023-08-22. Review status: criteria provided, single submitter. Criteria: Invitae Variant Classification Sherloc (09022015). Collection method: clinical testing. Allele origin: germline.
Comment: This sequence change replaces arginine, which is basic and polar, with proline, which is neutral and non-polar, at codon 777 of the AGAP1 protein (p.Arg777Pro). This variant is present in population databases (rs771654850, gnomAD 0.03%). This variant has not been reported in the literature in individuals affected with AGAP1-related conditions. An algorithm developed to predict the effect of missense changes on protein structure and function (PolyPhen-2) suggests that this variant is likely to be disruptive. In summary, the available evidence is currently insufficient to determine the role of this variant in disease. Therefore, it has been classified as a Variant of Uncertain Significance.

NM_001037131.3(AGAP1):c.2489G>C (p.Arg830Pro)

Gene: AGAP1 (ArfGAP with GTPase domain, ankyrin repeat and PH domain 1; plus strand). Cytogenetic location: 2q37.2.
Variant type: single nucleotide variant.
Coding change: c.2489G>C on transcript NM_001037131.3 (MANE Select); coding-DNA position 2489, G replaced by C.
Protein change: p.Arg830Pro; replaces arginine 830 with proline.
Molecular consequence: missense variant.
Genome position (GRCh38, 1-based): chr2:236,124,037, G>C. VCF-style: chr2-236124037-G-C. GRCh37 (hg19) VCF-style: chr2-237032681-G-C.
Other names: c.2330G>C, p.Arg777Pro (NM_014914.5); short protein forms R830P, R777P.
Identifiers: ClinVar variation 2768088 (VCV002768088.3), dbSNP rs771654850, ClinGen allele CA2185308.